The following is an entry in ClinVar:

NM_014339.7(IL17RA):c.53T>C (p.Leu18Pro)

Gene: IL17RA (interleukin 17 receptor A; plus strand). Cytogenetic location: 22q11.1.
Variant type: single nucleotide variant.
Coding change: c.53T>C on transcript NM_014339.7 (MANE Select); coding-DNA position 53, T replaced by C.
Protein change: p.Leu18Pro; replaces leucine 18 with proline.
Molecular consequence: missense variant.
Genome position (GRCh38, 1-based): chr22:17,085,144, T>C. VCF-style: chr22-17085144-T-C. GRCh37 (hg19) VCF-style: chr22-17566034-T-C.
Other names: c.53T>C, p.Leu18Pro (NM_001289905.2); short protein forms L18P.
Identifiers: ClinVar variation 1025305 (VCV001025305.9), dbSNP rs2061321486, ClinGen allele CA410210155.

ClinVar aggregate classification (germline): Uncertain significance (1 of 4 stars; one submission).

Conditions:
Immunodeficiency 51 (IMD51). Also called: CANDIDIASIS, FAMILIAL, 5. Identifiers: Orphanet 1334, MedGen C4310803, MONDO:0013500, OMIM 613953.

Allele frequency attached by ClinVar (database versions not stated): gnomAD exomes below 0.00001.
gnomAD v4.1: 4 of 1,506,350 alleles (0.00027%); highest among the groups gnomAD compares: Non-Finnish European, 0.00035%; no homozygotes.

Submission:

Labcorp Genetics (formerly Invitae), Labcorp
Classification: Uncertain significance for Immunodeficiency 51. Last evaluated: 2021-07-30. Review status: criteria provided, single submitter. Criteria: Invitae Variant Classification Sherloc (09022015). Collection method: clinical testing. Allele origin: germline.
Comment: Algorithms developed to predict the effect of missense changes on protein structure and function output the following: SIFT: "Deleterious"; PolyPhen-2: "Not Available"; Align-GVGD: "Class C0". The proline amino acid residue is found in multiple mammalian species, suggesting that this missense change does not adversely affect protein function. These predictions have not been confirmed by published functional studies and their clinical significance is uncertain. In summary, the available evidence is currently insufficient to determine the role of this variant in disease. Therefore, it has been classified as a Variant of Uncertain Significance. This variant has not been reported in the literature in individuals with IL17RA-related conditions. The frequency data for this variant in the population databases is considered unreliable, as metrics indicate insufficient coverage at this position in the ExAC database. This sequence change replaces leucine with proline at codon 18 of the IL17RA protein (p.Leu18Pro). The leucine residue is weakly conserved and there is a moderate physicochemical difference between leucine and proline.